The following is an entry in ClinVar:

ClinVar aggregate classification (germline): Uncertain significance (1 of 4 stars; one submission).

Conditions:
Smith-Lemli-Opitz syndrome (SLOS). Also called: 7-Dehydrocholesterol reductase deficiency; LETHAL ACRODYSGENITAL SYNDROME; POLYDACTYLY, SEX REVERSAL, RENAL HYPOPLASIA, AND UNILOBAR LUNG; RSH SYNDROME; RUTLEDGE LETHAL MULTIPLE CONGENITAL ANOMALY SYNDROME. Identifiers: Orphanet 818, MedGen C0175694, MONDO:0010035, OMIM 270400.

Allele frequency attached by ClinVar (database versions not stated): gnomAD exomes below 0.00001.
gnomAD v4.1: 1 of 1,613,964 alleles (0.000062%); highest among the groups gnomAD compares: South Asian, 0.0011%; no homozygotes.

Submission:

Labcorp Genetics (formerly Invitae), Labcorp
Classification: Uncertain significance for Smith-Lemli-Opitz syndrome. Last evaluated: 2022-03-13. Review status: criteria provided, single submitter. Criteria: Invitae Variant Classification Sherloc (09022015). Collection method: clinical testing. Allele origin: germline.
Comment: This sequence change replaces serine, which is neutral and polar, with asparagine, which is neutral and polar, at codon 264 of the DHCR7 protein (p.Ser264Asn). This variant is not present in population databases (gnomAD no frequency). This variant has not been reported in the literature in individuals affected with DHCR7-related conditions. Algorithms developed to predict the effect of missense changes on protein structure and function are either unavailable or do not agree on the potential impact of this missense change (SIFT: "Deleterious"; PolyPhen-2: "Benign"; Align-GVGD: "Class C0"). In summary, the available evidence is currently insufficient to determine the role of this variant in disease. Therefore, it has been classified as a Variant of Uncertain Significance.

NM_001360.3(DHCR7):c.791G>A (p.Ser264Asn)

Gene: DHCR7 (7-dehydrocholesterol reductase; minus strand). Cytogenetic location: 11q13.4.
Variant type: single nucleotide variant.
Coding change: c.791G>A on transcript NM_001360.3 (MANE Select); coding-DNA position 791, G replaced by A.
Protein change: p.Ser264Asn; replaces serine 264 with asparagine.
Molecular consequence: missense variant.
Genome position (GRCh38, 1-based): chr11:71,438,919, C>T on the plus strand (G>A on the coding strand, the complement: DHCR7 is on the minus strand). VCF-style: chr11-71438919-C-T. GRCh37 (hg19) VCF-style: chr11-71149965-C-T.
Other names: c.791G>A, p.Ser264Asn (NM_001163817.2); short protein forms S264N.
Identifiers: ClinVar variation 1935469 (VCV001935469.2), dbSNP rs2539220937, ClinGen allele CA381703270.
Genomic context (GRCh38, chr11:71,438,919, plus strand): 5'-TCTCCAGCCATGACAGGCACCTGCAGGACGTTGACCAGGACCATGGCATTGGTCACATGG[C>T]TGTGGAGCTCCCGCTGCTTCGCTGCGAAGGACAGGTTGATGAGGGTCCAGGCGACGATCC-3'
Protein context (NP_001351.2, residues 254-274): SFAAKQRELH[Ser264Asn]HVTNAMVLVN